The following is an entry in ClinVar:

NM_002496.4(NDUFS8):c.502-13C>T

Gene: NDUFS8 (NADH:ubiquinone oxidoreductase core subunit S8; plus strand). Cytogenetic location: 11q13.2.
Variant type: single nucleotide variant.
Coding change: c.502-13C>T on transcript NM_002496.4 (MANE Select); 13 bases into the intron before coding-DNA position 502, C replaced by T.
Molecular consequence: intron variant.
Genome position (GRCh38, 1-based): chr11:68,036,449, C>T. VCF-style: chr11-68036449-C-T. GRCh37 (hg19) VCF-style: chr11-67803916-C-T.
Identifiers: ClinVar variation 305770 (VCV000305770.13), dbSNP rs199793417, ClinGen allele CA6146555.

ClinVar aggregate classification (germline): Conflicting classifications of pathogenicity. Review status: criteria provided, conflicting classifications (1 of 4 stars). 5 submissions from 4 submitters: Uncertain significance (2); Benign (1); Likely benign (2). Last evaluated 2025-10-02.

Conditions:
Leigh syndrome (NULS). Also called: Leigh's syndrome; Subacute necrotizing encephalopathy; Necrotizing encephalopathy infantile subacute of Leigh; LEIGH SYNDROME, NUCLEAR; Leigh's necrotizing encephalopathy; Leigh's disease. Identifiers: Orphanet 506, MedGen C2931891, MONDO:0009723, OMIM 256000.
Mitochondrial complex I deficiency, nuclear type 1. Also called: NADH-COENZYME Q REDUCTASE DEFICIENCY; MITOCHONDRIAL NADH DEHYDROGENASE COMPONENT OF COMPLEX I, DEFICIENCY OF. Identifiers: MedGen C6022305, MONDO:0100224, OMIM 252010.

Allele frequency attached by ClinVar (database versions not stated): ExAC 0.00018; gnomAD exomes 0.00018 and 0.00022; gnomAD 0.00022; TOPMed 0.00024; 1000 Genomes Project 30x 0.00031; ESP Exome Variant Server 0.00031; 1000 Genomes Project 0.00040.

Submissions (5):

Labcorp Genetics (formerly Invitae), Labcorp
Classification: Likely benign. Last evaluated: 2025-10-02. Review status: criteria provided, single submitter. Criteria: Invitae Variant Classification Sherloc (09022015). Collection method: clinical testing. Allele origin: germline.

Blueprint Genetics
Classification: Likely benign. Last evaluated: 2024-10-16. Review status: criteria provided, single submitter. Criteria: ACMG Guidelines, 2015. Collection method: clinical testing. Allele origin: germline.

Illumina Laboratory Services, Illumina
Classification: Uncertain significance for Mitochondrial complex I deficiency, nuclear type 1. Last evaluated: 2018-01-12. Review status: criteria provided, single submitter. Criteria: ICSL Variant Classification Criteria 13 December 2019. Collection method: clinical testing. Allele origin: germline.

Illumina Laboratory Services, Illumina
Classification: Uncertain significance for Leigh syndrome. Last evaluated: 2018-01-12. Review status: criteria provided, single submitter. Criteria: ICSL Variant Classification Criteria 13 December 2019. Collection method: clinical testing. Allele origin: germline.

GeneDx
Classification: Benign. Last evaluated: 2015-08-03. Review status: criteria provided, single submitter. Criteria: GeneDx Variant Classification (06012015). Collection method: clinical testing. Allele origin: germline. Affected: yes.
Comment: This variant is considered likely benign or benign based on one or more of the following criteria: it is a conservative change, it occurs at a poorly conserved position in the protein, it is predicted to be benign by multiple in silico algorithms, and/or has population frequency not consistent with disease.